The following is an entry in ClinVar:

NM_001127649.3(PEX26):c.*943G>A

Gene: PEX26 (peroxisomal biogenesis factor 26; plus strand). Cytogenetic location: 22q11.21.
Variant type: single nucleotide variant.
Coding change: c.*943G>A on transcript NM_001127649.3 (MANE Select); 943 bases downstream of the stop codon, G replaced by A.
Molecular consequence: 3 prime UTR variant.
Genome position (GRCh38, 1-based): chr22:18,089,018, G>A. VCF-style: chr22-18089018-G-A. GRCh37 (hg19) VCF-style: chr22-18571784-G-A.
Other names: c.*943G>A (NM_001199319.2, NM_017929.6).
Identifiers: ClinVar variation 340776 (VCV000340776.5), dbSNP rs79785382, ClinGen allele CA10653204.

ClinVar aggregate classification (germline): Benign (1 of 4 stars; one submission).

Conditions:
Peroxisome biogenesis disorder 7A (Zellweger). Also called: Peroxisome biogenesis disorder 7A. Identifiers: Orphanet 912, MedGen C3888385, MONDO:0013938, OMIM 614872.

Allele frequency attached by ClinVar (database versions not stated): gnomAD 0.01710 and 0.01835; TOPMed 0.01912; 1000 Genomes Project 0.01917; 1000 Genomes Project 30x 0.01936.

Submission:

Illumina Laboratory Services, Illumina
Classification: Benign for Peroxisome biogenesis disorder 7A (Zellweger). Last evaluated: 2018-01-13. Review status: criteria provided, single submitter. Criteria: ICSL Variant Classification Criteria 13 December 2019. Collection method: clinical testing. Allele origin: germline.
Comment: This variant was observed in the ICSL laboratory as part of a predisposition screen in an ostensibly healthy population. It had not been previously curated by ICSL or reported in the Human Gene Mutation Database (HGMD: prior to June 1st, 2018), and was therefore a candidate for classification through an automated scoring system. Utilizing variant allele frequency, disease prevalence and penetrance estimates, and inheritance mode, an automated score was calculated to assess if this variant is too frequent to cause the disease. Based on the score and internal cut-off values, a variant classified as benign is not then subjected to further curation. The score for this variant resulted in a classification of benign for this disease.